The following is an entry in ClinVar:

NM_000660.7(TGFB1):c.865A>G (p.Thr289Ala)

Gene: TGFB1 (transforming growth factor beta 1; minus strand). Cytogenetic location: 19q13.2.
Variant type: single nucleotide variant.
Coding change: c.865A>G on transcript NM_000660.7 (MANE Select); coding-DNA position 865, A replaced by G.
Protein change: p.Thr289Ala; replaces threonine 289 with alanine.
Molecular consequence: missense variant.
Genome position (GRCh38, 1-based): chr19:41,332,277, T>C on the plus strand (A>G on the coding strand, the complement: TGFB1 is on the minus strand). VCF-style: chr19-41332277-T-C. GRCh37 (hg19) VCF-style: chr19-41838182-T-C.
Other names: short protein forms T289A.
Identifiers: ClinVar variation 2069765 (VCV002069765.4), dbSNP rs1189582676, ClinGen allele CA405998747.

ClinVar aggregate classification (germline): Uncertain significance (1 of 4 stars; one submission).

Allele frequency attached by ClinVar (database versions not stated): gnomAD exomes below 0.00001.
gnomAD v4.1: 5 of 1,613,784 alleles (0.00031%); highest among the groups gnomAD compares: South Asian, 0.0033%; no homozygotes.

Submission:

Labcorp Genetics (formerly Invitae), Labcorp
Classification: Uncertain significance. Last evaluated: 2022-01-02. Review status: criteria provided, single submitter. Criteria: Invitae Variant Classification Sherloc (09022015). Collection method: clinical testing. Allele origin: germline.
Comment: This sequence change replaces threonine, which is neutral and polar, with alanine, which is neutral and non-polar, at codon 289 of the TGFB1 protein (p.Thr289Ala). This variant is present in population databases (no rsID available, gnomAD 0.003%). This variant has not been reported in the literature in individuals affected with TGFB1-related conditions. Algorithms developed to predict the effect of missense changes on protein structure and function output the following: SIFT: "Tolerated"; PolyPhen-2: "Benign"; Align-GVGD: "Class C0". The alanine amino acid residue is found in multiple mammalian species, which suggests that this missense change does not adversely affect protein function. In summary, the available evidence is currently insufficient to determine the role of this variant in disease. Therefore, it has been classified as a Variant of Uncertain Significance.